The following is an entry in ClinVar:

NM_203447.4(DOCK8):c.12G>T (p.Leu4=)

Genes: DOCK8-AS1 (DOCK8 antisense RNA 1; minus strand), DOCK8 (dedicator of cytokinesis 8; plus strand), LOC130001437 (ATAC-STARR-seq lymphoblastoid silent region 19722; plus strand). Cytogenetic location: 9p24.3.
Variant type: single nucleotide variant.
Coding change: c.12G>T on transcript NM_203447.4 (MANE Select); coding-DNA position 12, G replaced by T.
Protein change: p.Leu4=; no amino-acid change (leucine 4 retained).
Molecular consequence: synonymous variant. On other transcripts: non-coding transcript variant (1).
Genome position (GRCh38, 1-based): chr9:214,988, G>T. VCF-style: chr9-214988-G-T. GRCh37 (hg19) VCF-style: chr9-214988-G-T.
Identifiers: ClinVar variation 384896 (VCV000384896.9), dbSNP rs753215803, ClinGen allele CA4956904.

ClinVar aggregate classification (germline): Likely benign. Review status: criteria provided, multiple submitters, no conflicts (2 of 4 stars). 2 submissions from 2 submitters: Likely benign (2). Last evaluated 2021-07-27.

Conditions:
Combined immunodeficiency due to DOCK8 deficiency (HIES2). Also called: Hyper-IgE recurrent infection syndrome, autosomal recessive; DOCK8 Deficiency; HIES autosomal recessive; HYPER-IgE RECURRENT INFECTION SYNDROME 2, AUTOSOMAL RECESSIVE; HYPER-IgE SYNDROME 2, AUTOSOMAL RECESSIVE, WITH RECURRENT INFECTIONS. Identifiers: Orphanet 217390, MedGen C4722305, MONDO:0009478, OMIM 243700.

Allele frequency attached by ClinVar (database versions not stated): gnomAD exomes below 0.00001; TOPMed below 0.00001; gnomAD 0.00001.
gnomAD v4.1: 7 of 1,599,236 alleles (0.00044%); highest among the groups gnomAD compares: African/African-American, 0.0027%; no homozygotes.

Submissions (2):

Labcorp Genetics (formerly Invitae), Labcorp
Classification: Likely benign for Combined immunodeficiency due to DOCK8 deficiency. Last evaluated: 2021-07-27. Review status: criteria provided, single submitter. Criteria: Invitae Variant Classification Sherloc (09022015). Collection method: clinical testing. Allele origin: germline.

GeneDx
Classification: Likely benign. Last evaluated: 2016-03-18. Review status: criteria provided, single submitter. Criteria: GeneDx Variant Classification (06012015). Collection method: clinical testing. Allele origin: germline. Affected: yes.
Comment: This variant is considered likely benign or benign based on one or more of the following criteria: it is a conservative change, it occurs at a poorly conserved position in the protein, it is predicted to be benign by multiple in silico algorithms, and/or has population frequency not consistent with disease.